The following is an entry in ClinVar:

NM_002860.4(ALDH18A1):c.797C>T (p.Ser266Leu)

Gene: ALDH18A1 (aldehyde dehydrogenase 18 family member A1; minus strand). Cytogenetic location: 10q24.1.
Variant type: single nucleotide variant.
Coding change: c.797C>T on transcript NM_002860.4 (MANE Select); coding-DNA position 797, C replaced by T.
Protein change: p.Ser266Leu; replaces serine 266 with leucine.
Molecular consequence: missense variant.
Genome position (GRCh38, 1-based): chr10:95,632,970, G>A on the plus strand (C>T on the coding strand, the complement: ALDH18A1 is on the minus strand). VCF-style: chr10-95632970-G-A. GRCh37 (hg19) VCF-style: chr10-97392727-G-A.
Other names: c.791C>T, p.Ser264Leu (NM_001017423.2, NM_001323415.2); c.464C>T, p.Ser155Leu (NM_001323412.2, NM_001323416.2); c.797C>T, p.Ser266Leu (NM_001323413.2, NM_001323414.2); c.692C>T, p.Ser231Leu (NM_001323417.2); c.458C>T, p.Ser153Leu (NM_001323418.2); c.161C>T, p.Ser54Leu (NM_001323419.2); short protein forms S153L, S155L, S231L, S264L, S266L, S54L.
Identifiers: ClinVar variation 4532641 (VCV004532641.1).

ClinVar aggregate classification (germline): Uncertain significance (1 of 4 stars; one submission).

Submission:

GeneDx
Classification: Uncertain significance. Last evaluated: 2025-06-01. Review status: criteria provided, single submitter. Criteria: GeneDx Variant Classification Process June 2021. Collection method: clinical testing. Allele origin: germline. Affected: yes.
Comment: Not observed at significant frequency in large population cohorts (gnomAD); In silico analysis supports that this missense variant has a deleterious effect on protein structure/function; Has not been previously published as pathogenic or benign to our knowledge; In silico analysis is inconclusive as to whether the variant alters gene splicing. In the absence of RNA/functional studies, the actual effect of this sequence change is unknown.